The following is an entry in ClinVar:

NM_000535.7(PMS2):c.1742A>G (p.Lys581Arg)

Gene: PMS2 (PMS1 homolog 2, mismatch repair system component; minus strand). Cytogenetic location: 7p22.1.
Variant type: single nucleotide variant.
Coding change: c.1742A>G on transcript NM_000535.7 (MANE Select); coding-DNA position 1742, A replaced by G.
Protein change: p.Lys581Arg; replaces lysine 581 with arginine.
Molecular consequence: missense variant. On other transcripts: non-coding transcript variant (1), intron variant (1).
Genome position (GRCh38, 1-based): chr7:5,987,023, T>C on the plus strand (A>G on the coding strand, the complement: PMS2 is on the minus strand). VCF-style: chr7-5987023-T-C. GRCh37 (hg19) VCF-style: chr7-6026654-T-C.
Other names: c.1337A>G, p.Lys446Arg (NM_001322003.2, NM_001322004.2, NM_001322005.2 and 16 more transcripts); c.1586A>G, p.Lys529Arg (NM_001322006.2, NM_001406870.1); c.1766A>G, p.Lys589Arg (NM_001406868.1); c.1634A>G, p.Lys545Arg (NM_001406869.1); c.1742A>G, p.Lys581Arg (NM_001406871.1, NM_001406872.1, NM_001322014.2); c.1544A>G, p.Lys515Arg (NM_001406873.1); c.1574A>G, p.Lys525Arg (NM_001406874.1); c.1433A>G, p.Lys478Arg (NM_001406875.1, NM_001322015.2, NM_001406877.1 and 5 more transcripts); and 13 more; short protein forms K270R, K324R, K390R, K394R, K446R, K475R, K515R, K410R.
Identifiers: ClinVar variation 3667537 (VCV003667537.2).

ClinVar aggregate classification (germline): Uncertain significance (1 of 4 stars; one submission).

Conditions:
Hereditary nonpolyposis colorectal neoplasms. Identifiers: MedGen C0009405, MeSH D003123.

Submission:

Labcorp Genetics (formerly Invitae), Labcorp
Classification: Uncertain significance for Hereditary nonpolyposis colorectal neoplasms. Last evaluated: 2024-04-30. Review status: criteria provided, single submitter. Criteria: Invitae Variant Classification Sherloc (09022015). Collection method: clinical testing. Allele origin: germline.
Comment: This sequence change replaces lysine, which is basic and polar, with arginine, which is basic and polar, at codon 581 of the PMS2 protein (p.Lys581Arg). This variant is not present in population databases (gnomAD no frequency). This variant has not been reported in the literature in individuals affected with PMS2-related conditions. Advanced modeling of protein sequence and biophysical properties (such as structural, functional, and spatial information, amino acid conservation, physicochemical variation, residue mobility, and thermodynamic stability) performed at Invitae indicates that this missense variant is not expected to disrupt PMS2 protein function with a negative predictive value of 80%. In summary, the available evidence is currently insufficient to determine the role of this variant in disease. Therefore, it has been classified as a Variant of Uncertain Significance.